The following is an entry in ClinVar:

ClinVar aggregate classification (germline): Pathogenic (1 of 4 stars; one submission).

gnomAD v4.1: 7 of 1,613,824 alleles (0.00043%); highest among the groups gnomAD compares: African/African-American, 0.0067%; no homozygotes.

Submission:

Labcorp Genetics (formerly Invitae), Labcorp
Classification: Pathogenic. Last evaluated: 2026-01-19. Review status: criteria provided, single submitter. Criteria: Invitae Variant Classification Sherloc (09022015). Collection method: clinical testing. Allele origin: germline.
Comment: This sequence change affects a donor splice site in intron 8 of the AMHR2 gene. It is expected to disrupt RNA splicing. Variants that disrupt the donor or acceptor splice site typically lead to a loss of protein function (PMID: 16199547), and loss-of-function variants in AMHR2 are known to be pathogenic (PMID: 8872466, 28094762, 28528332). The frequency data for this variant in the population databases is considered unreliable, as metrics indicate poor data quality at this position in the gnomAD database. Disruption of this splice site has been observed in individual(s) with persistent Mullerian duct syndrome (PMID: 28528332). This variant is also known as g.53429626G>A. Algorithms developed to predict the effect of sequence changes on RNA splicing suggest that this variant may disrupt the consensus splice site. For these reasons, this variant has been classified as Pathogenic.

Literature cited by the submitters: PubMed 16199547; PubMed 8872466; PubMed 28094762; PubMed 28528332.

NM_020547.3(AMHR2):c.1140+1G>A

Gene: AMHR2 (anti-Mullerian hormone receptor type 2; plus strand). Cytogenetic location: 12q13.13.
Variant type: single nucleotide variant.
Coding change: c.1140+1G>A on transcript NM_020547.3 (MANE Select); the canonical splice donor site of the intron after coding-DNA position 1140, G replaced by A.
Molecular consequence: splice donor variant.
Genome position (GRCh38, 1-based): chr12:53,429,626, G>A. VCF-style: chr12-53429626-G-A. GRCh37 (hg19) VCF-style: chr12-53823410-G-A.
Other names: c.1140+1G>A (NM_001164690.2, NM_001164691.2).
Identifiers: ClinVar variation 4751051 (VCV004751051.1).